The following is an entry in ClinVar:

NM_138694.4(PKHD1):c.2776C>T (p.Leu926Phe)

Gene: PKHD1 (PKHD1 ciliary IPT domain containing fibrocystin/polyductin; minus strand). Cytogenetic location: 6p12.2.
Variant type: single nucleotide variant.
Coding change: c.2776C>T on transcript NM_138694.4 (MANE Select); coding-DNA position 2776, C replaced by T.
Protein change: p.Leu926Phe; replaces leucine 926 with phenylalanine.
Molecular consequence: missense variant.
Genome position (GRCh38, 1-based): chr6:52,043,670, G>A on the plus strand (C>T on the coding strand, the complement: PKHD1 is on the minus strand). VCF-style: chr6-52043670-G-A. GRCh37 (hg19) VCF-style: chr6-51908468-G-A.
Other names: c.2776C>T, p.Leu926Phe (NM_170724.3); short protein forms L926F.
Identifiers: ClinVar variation 2578214 (VCV002578214.1), dbSNP rs2533065823, ClinGen allele CA364442599.

ClinVar aggregate classification (germline): Uncertain significance (1 of 4 stars; one submission).

Allele frequency attached by ClinVar (database versions not stated): gnomAD exomes below 0.00001.
gnomAD v4.1: 4 of 1,613,494 alleles (0.00025%); highest among the groups gnomAD compares: Non-Finnish European, 0.00034%; no homozygotes.

Submission:

GeneDx
Classification: Uncertain significance. Last evaluated: 2023-02-28. Review status: criteria provided, single submitter. Criteria: GeneDx Variant Classification Process June 2021. Collection method: clinical testing. Allele origin: germline. Affected: yes.
Comment: Not observed at significant frequency in large population cohorts (gnomAD); In silico analysis supports that this missense variant does not alter protein structure/function; Has not been previously published as pathogenic or benign to our knowledge